The following is an entry in ClinVar:

ClinVar aggregate classification (germline): Uncertain significance (1 of 4 stars; one submission).

Allele frequency attached by ClinVar (database versions not stated): gnomAD exomes below 0.00001; gnomAD 0.00001.
gnomAD v4.1: 4 of 1,613,954 alleles (0.00025%); highest among the groups gnomAD compares: Non-Finnish European, 0.00034%; no homozygotes.

Submission:

Labcorp Genetics (formerly Invitae), Labcorp
Classification: Uncertain significance. Last evaluated: 2024-06-26. Review status: criteria provided, single submitter. Criteria: Invitae Variant Classification Sherloc (09022015). Collection method: clinical testing. Allele origin: germline.
Comment: This sequence change replaces isoleucine, which is neutral and non-polar, with threonine, which is neutral and polar, at codon 746 of the SETBP1 protein (p.Ile746Thr). This variant is present in population databases (no rsID available, gnomAD 0.002%). This variant has not been reported in the literature in individuals affected with SETBP1-related conditions. ClinVar contains an entry for this variant (Variation ID: 1515340). Advanced modeling of protein sequence and biophysical properties (such as structural, functional, and spatial information, amino acid conservation, physicochemical variation, residue mobility, and thermodynamic stability) performed at Invitae indicates that this missense variant is not expected to disrupt SETBP1 protein function with a negative predictive value of 80%. In summary, the available evidence is currently insufficient to determine the role of this variant in disease. Therefore, it has been classified as a Variant of Uncertain Significance.

NM_015559.3(SETBP1):c.2237T>C (p.Ile746Thr)

Gene: SETBP1 (SET binding protein 1; plus strand). Cytogenetic location: 18q12.3.
Variant type: single nucleotide variant.
Coding change: c.2237T>C on transcript NM_015559.3 (MANE Select); coding-DNA position 2237, T replaced by C.
Protein change: p.Ile746Thr; replaces isoleucine 746 with threonine.
Molecular consequence: missense variant.
Genome position (GRCh38, 1-based): chr18:44,951,577, T>C. VCF-style: chr18-44951577-T-C. GRCh37 (hg19) VCF-style: chr18-42531542-T-C.
Other names: c.2237T>C, p.Ile746Thr (NM_001379141.1, NM_001379142.1); short protein forms I746T.
Identifiers: ClinVar variation 1515340 (VCV001515340.8), dbSNP rs1408233128, ClinGen allele CA402320695.
Genomic context (GRCh38, chr18:44,951,577, plus strand): 5'-AGCGGGGCAGGAAGCCAAGAGCAGAGCTGCCACCCCCATCCGAAGAACCCAAAACAGCCA[T>C]CAAGCACCCCAGGCCTGTTTCTAGCCAGCCGGATGTTCCAGCCGTGCCTTCCAACTTTCA-3'
Protein context (NP_056374.2, residues 736-756): PPPSEEPKTA[Ile746Thr]KHPRPVSSQP